The following is an entry in ClinVar:

NM_020821.3(VPS13C):c.6809C>G (p.Ser2270Ter)

Gene: VPS13C (vacuolar protein sorting 13 homolog C; minus strand). Cytogenetic location: 15q22.2.
Variant type: single nucleotide variant.
Coding change: c.6809C>G on transcript NM_020821.3 (MANE Select); coding-DNA position 6809, C replaced by G.
Protein change: p.Ser2270Ter; replaces serine 2270 with a stop codon.
Molecular consequence: nonsense.
Genome position (GRCh38, 1-based): chr15:61,922,563, G>C on the plus strand (C>G on the coding strand, the complement: VPS13C is on the minus strand). VCF-style: chr15-61922563-G-C. GRCh37 (hg19) VCF-style: chr15-62214762-G-C.
Other names: c.6809C>G, p.Ser2270Ter (NM_001018088.3); c.6680C>G, p.Ser2227Ter (NM_017684.5, NM_018080.4); short protein forms S2227*, S2270*.
Identifiers: ClinVar variation 1977819 (VCV001977819.5), dbSNP rs2547886688, ClinGen allele CA392685650.

ClinVar aggregate classification (germline): Pathogenic (1 of 4 stars; one submission).

Submission:

Labcorp Genetics (formerly Invitae), Labcorp
Classification: Pathogenic. Last evaluated: 2024-04-17. Review status: criteria provided, single submitter. Criteria: Invitae Variant Classification Sherloc (09022015). Collection method: clinical testing. Allele origin: germline.
Comment: This sequence change creates a premature translational stop signal (p.Ser2270*) in the VPS13C gene. It is expected to result in an absent or disrupted protein product. Loss-of-function variants in VPS13C are known to be pathogenic (PMID: 26942284, 34875562). This variant is not present in population databases (gnomAD no frequency). This variant has not been reported in the literature in individuals affected with VPS13C-related conditions. ClinVar contains an entry for this variant (Variation ID: 1977819). For these reasons, this variant has been classified as Pathogenic.

Literature cited by the submitters: PubMed 26942284; PubMed 34875562.